The following is an entry in ClinVar:

ClinVar aggregate classification (germline): Likely benign (1 of 4 stars; one submission).

gnomAD v4.1: 1 of 1,613,746 alleles (0.000062%); highest among the groups gnomAD compares: Non-Finnish European, 0.000085%; no homozygotes.

Submission:

CeGaT Center for Human Genetics Tuebingen
Classification: Likely benign. Last evaluated: 2025-11-01. Review status: criteria provided, single submitter. Criteria: CeGaT Center For Human Genetics Tuebingen Variant Classification Criteria Version 2. Collection method: clinical testing. Allele origin: germline. Affected: yes. Observed: 1 variant allele.
Comment: KIDINS220: BP4, BP7

NM_020738.4(KIDINS220):c.3132A>T (p.Val1044=)

Gene: KIDINS220 (kinase D interacting substrate 220; minus strand). Cytogenetic location: 2p25.1.
Variant type: single nucleotide variant.
Coding change: c.3132A>T on transcript NM_020738.4 (MANE Select); coding-DNA position 3132, A replaced by T.
Protein change: p.Val1044=; no amino-acid change (valine 1044 retained).
Molecular consequence: synonymous variant. On other transcripts: non-coding transcript variant (2).
Genome position (GRCh38, 1-based): chr2:8,751,524, T>A on the plus strand (A>T on the coding strand, the complement: KIDINS220 is on the minus strand). VCF-style: chr2-8751524-T-A. GRCh37 (hg19) VCF-style: chr2-8891654-T-A.
Other names: c.3135A>T, p.Val1045= (NM_001348729.2, NM_001348731.2, NM_001348734.2 and 2 more transcripts); c.3132A>T, p.Val1044= (NM_001348732.2, NM_001348735.2, NM_001348738.2 and 3 more transcripts); c.3006A>T, p.Val1002= (NM_001348736.2).
Identifiers: ClinVar variation 4534301 (VCV004534301.6).